The following is an entry in ClinVar:

NM_001360.3(DHCR7):c.1008C>T (p.His336=)

Gene: DHCR7 (7-dehydrocholesterol reductase; minus strand). Cytogenetic location: 11q13.4.
Variant type: single nucleotide variant.
Coding change: c.1008C>T on transcript NM_001360.3 (MANE Select); coding-DNA position 1008, C replaced by T.
Protein change: p.His336=; no amino-acid change (histidine 336 retained).
Molecular consequence: synonymous variant.
Genome position (GRCh38, 1-based): chr11:71,435,795, G>A on the plus strand (C>T on the coding strand, the complement: DHCR7 is on the minus strand). VCF-style: chr11-71435795-G-A. GRCh37 (hg19) VCF-style: chr11-71146841-G-A.
Other names: p.His336=; c.1008C>T, p.His336= (NM_001163817.2).
Identifiers: ClinVar variation 166986 (VCV000166986.37), dbSNP rs75225632, ClinGen allele CA179966.

ClinVar aggregate classification (germline): Benign/Likely benign. Review status: criteria provided, multiple submitters, no conflicts (2 of 4 stars). 12 submissions from 12 submitters: Benign (8); Likely benign (3). 1 of the submissions does not count toward it. Last evaluated 2026-02-04.

Conditions:
Inborn genetic diseases. Identifiers: MedGen C0950123, MeSH D030342.
Smith-Lemli-Opitz syndrome (SLOS). Also called: 7-Dehydrocholesterol reductase deficiency; LETHAL ACRODYSGENITAL SYNDROME; POLYDACTYLY, SEX REVERSAL, RENAL HYPOPLASIA, AND UNILOBAR LUNG; RSH SYNDROME; RUTLEDGE LETHAL MULTIPLE CONGENITAL ANOMALY SYNDROME. Identifiers: Orphanet 818, MedGen C0175694, MONDO:0010035, OMIM 270400.

Allele frequency attached by ClinVar (database versions not stated): TOPMed 0.00630; ExAC 0.00787; ESP Exome Variant Server 0.00100; gnomAD 0.00447 and 0.00542; 1000 Genomes Project 30x 0.01530; 1000 Genomes Project 0.01657.

Submissions (12):

Labcorp Genetics (formerly Invitae), Labcorp
Classification: Benign for Smith-Lemli-Opitz syndrome. Last evaluated: 2026-02-04. Review status: criteria provided, single submitter. Criteria: Invitae Variant Classification Sherloc (09022015). Collection method: clinical testing. Allele origin: germline.

Blueprint Genetics
Classification: Likely benign. Last evaluated: 2024-11-27. Review status: criteria provided, single submitter. Criteria: ACMG Guidelines, 2015. Collection method: clinical testing. Allele origin: germline.

Mayo Clinic Laboratories, Mayo Clinic
Classification: Benign. Last evaluated: 2022-01-07. Review status: criteria provided, single submitter. Criteria: ACMG Guidelines, 2015. Collection method: clinical testing. Allele origin: germline. Observed: 15 variant alleles.

Genome-Nilou Lab
Classification: Benign for Smith-Lemli-Opitz syndrome. Last evaluated: 2021-06-10. Review status: criteria provided, single submitter. Criteria: ACMG Guidelines, 2015. Collection method: clinical testing. Allele origin: germline. Affected: no.

ARUP Laboratories, Molecular Genetics and Genomics, ARUP Laboratories
Classification: Benign for Smith-Lemli-Opitz syndrome. Last evaluated: 2021-03-16. Review status: criteria provided, single submitter. Criteria: ARUP Molecular Germline Variant Investigation Process 2021. Collection method: clinical testing. Allele origin: germline.

Illumina Laboratory Services, Illumina
Classification: Likely benign for Smith-Lemli-Opitz syndrome. Last evaluated: 2018-01-13. Review status: criteria provided, single submitter. Criteria: ICSL Variant Classification Criteria 13 December 2019. Collection method: clinical testing. Allele origin: germline.
Comment: This variant was observed in the ICSL laboratory as part of a predisposition screen in an ostensibly healthy population. It had not been previously curated by ICSL or reported in the Human Gene Mutation Database (HGMD: prior to June 1st, 2018), and was therefore a candidate for classification through an automated scoring system. Utilizing variant allele frequency, disease prevalence and penetrance estimates, and inheritance mode, an automated score was calculated to assess if this variant is too frequent to cause the disease. Based on the score and internal cut-off values, a variant classified as likely benign is not then subjected to further curation. The score for this variant resulted in a classification of likely benign for this disease.

Women's Health and Genetics/Laboratory Corporation of America, LabCorp
Classification: Benign. Last evaluated: 2017-03-27. Review status: criteria provided, single submitter. Criteria: LabCorp Variant Classification Summary - May 2015. Collection method: clinical testing. Allele origin: germline.
Comment: Variant summary: The DHCR7 c.1008C>T (p.His336His) variant involves the alteration of a non-conserved nucleotide, resulting in a synonymous change. 5/5 splice prediction tools predict no significant impact on normal splicing. This variant was found in 889/113020 control chromosomes from ExAC (including 28 homozygotes), predominantly observed in the East Asian subpopulation at a frequency of 0.066619 (558/8376). This frequency is about 15 times the estimated maximal expected allele frequency of a pathogenic DHCR7 variant (0.0043301), suggesting this is likely a benign polymorphism found primarily in the populations of East Asian origin. At least one clinical diagnostic laboratory in ClinVar has classified this variant as benign. The variant of interest has not, to our knowledge, been reported in affected individuals via publications. Taken together, this variant is classified as Benign.

Ambry Genetics
Classification: Benign for Inborn genetic diseases. Last evaluated: 2016-05-06. Review status: criteria provided, single submitter. Criteria: Ambry Variant Classification Scheme 2023. Collection method: clinical testing. Allele origin: germline.

GeneDx
Classification: Benign. Last evaluated: 2015-03-03. Review status: criteria provided, single submitter. Criteria: GeneDx Variant Classification Process June 2021. Collection method: clinical testing. Allele origin: germline. Affected: yes.

Eurofins Ntd Llc (ga)
Classification: Benign. Last evaluated: 2014-02-14. Review status: criteria provided, single submitter. Criteria: EGL Classification Definitions 2015. Collection method: clinical testing. Allele origin: germline. Observed: 2 variant alleles, 2 heterozygotes.

Breakthrough Genomics
Classification: Likely benign. Review status: criteria provided, single submitter. Criteria: ACMG Guidelines, 2015. Collection method: not provided. Allele origin: germline. Inheritance: Autosomal recessive inheritance. Affected: yes.

Natera, Inc.
Classification: Benign for Smith-Lemli-Opitz syndrome. Last evaluated: 2017-05-05. Review status: no assertion criteria provided. Collection method: clinical testing. Allele origin: germline. Not counted in ClinVar's aggregate classification.